The following is an entry in ClinVar:

NM_014875.3(KIF14):c.2579G>A (p.Ser860Asn)

Gene: KIF14 (kinesin family member 14; minus strand). Cytogenetic location: 1q32.1.
Variant type: single nucleotide variant.
Coding change: c.2579G>A on transcript NM_014875.3 (MANE Select); coding-DNA position 2579, G replaced by A.
Protein change: p.Ser860Asn; replaces serine 860 with asparagine.
Molecular consequence: missense variant.
Genome position (GRCh38, 1-based): chr1:200,593,740, C>T on the plus strand (G>A on the coding strand, the complement: KIF14 is on the minus strand). VCF-style: chr1-200593740-C-T. GRCh37 (hg19) VCF-style: chr1-200562868-C-T.
Other names: c.1106G>A, p.Ser369Asn (NM_001305792.1); short protein forms S369N, S860N.
Identifiers: ClinVar variation 1949097 (VCV001949097.5), dbSNP rs1291762254, ClinGen allele CA344150771.

ClinVar aggregate classification (germline): Uncertain significance (1 of 4 stars; one submission).

Submission:

Labcorp Genetics (formerly Invitae), Labcorp
Classification: Uncertain significance. Last evaluated: 2023-11-27. Review status: criteria provided, single submitter. Criteria: Invitae Variant Classification Sherloc (09022015). Collection method: clinical testing. Allele origin: germline.
Comment: This sequence change replaces serine, which is neutral and polar, with asparagine, which is neutral and polar, at codon 860 of the KIF14 protein (p.Ser860Asn). This variant is not present in population databases (gnomAD no frequency). This variant has not been reported in the literature in individuals affected with KIF14-related conditions. ClinVar contains an entry for this variant (Variation ID: 1949097). An algorithm developed to predict the effect of missense changes on protein structure and function (PolyPhen-2) suggests that this variant is likely to be tolerated. In summary, the available evidence is currently insufficient to determine the role of this variant in disease. Therefore, it has been classified as a Variant of Uncertain Significance.